The following is an entry in ClinVar:

NM_004408.4(DNM1):c.1422+16C>T

Gene: DNM1 (dynamin 1; plus strand). Cytogenetic location: 9q34.11.
Variant type: single nucleotide variant.
Coding change: c.1422+16C>T on transcript NM_004408.4 (MANE Select); 16 bases into the intron after coding-DNA position 1422, C replaced by T.
Molecular consequence: intron variant.
Genome position (GRCh38, 1-based): chr9:128,234,123, C>T. VCF-style: chr9-128234123-C-T. GRCh37 (hg19) VCF-style: chr9-130996402-C-T.
Other names: c.1422+16C>T (NM_001005336.3, NM_001374269.1, NM_001288738.2 and 2 more transcripts).
Identifiers: ClinVar variation 1632340 (VCV001632340.9), dbSNP rs766488967, ClinGen allele CA5258155.

ClinVar aggregate classification (germline): Likely benign. Review status: criteria provided, multiple submitters, no conflicts (2 of 4 stars). 2 submissions from 2 submitters: Likely benign (2). Last evaluated 2026-06-02.

Conditions:
Developmental and epileptic encephalopathy, 31A. Also called: Epileptic encephalopathy, early infantile, 31; Developmental and epileptic encephalopathy, 31. Identifiers: Orphanet 2382, MedGen C4225357, MONDO:0014598, OMIM 616346.

Allele frequency attached by ClinVar (database versions not stated): gnomAD exomes 0.00006; gnomAD 0.00001; TOPMed 0.00001.
gnomAD v4.1: 35 of 1,514,840 alleles (0.0023%); highest among the groups gnomAD compares: East Asian, 0.085%; no homozygotes.

Submissions (2):

Women's Health and Genetics/Laboratory Corporation of America, LabCorp
Classification: Likely benign. Last evaluated: 2026-06-02. Review status: criteria provided, single submitter. Criteria: LabCorp Variant Classification Summary - May 2015. Collection method: clinical testing. Allele origin: germline.
Comment: Variant summary: DNM1 c.1422+16C>T alters a nucleotide located at a position not widely known to affect splicing. Consensus agreement among computation tools predict no significant impact on normal splicing. However, these predictions have yet to be confirmed by functional studies. The variant allele was found at a frequency of 6.5e-05 in 123394 control chromosomes. The available data on variant occurrences in the general population are insufficient to allow any conclusion about variant significance. To our knowledge, no occurrence of c.1422+16C>T in individuals affected with DNM1-related conditions and no experimental evidence demonstrating its impact on protein function have been reported. ClinVar contains an entry for this variant (Variation ID: 1632340). Based on the evidence outlined above, the variant was classified as likely benign.

Labcorp Genetics (formerly Invitae), Labcorp
Classification: Likely benign for Developmental and epileptic encephalopathy, 31A. Last evaluated: 2024-12-02. Review status: criteria provided, single submitter. Criteria: Invitae Variant Classification Sherloc (09022015). Collection method: clinical testing. Allele origin: germline.